The following is an entry in ClinVar:

ClinVar aggregate classification (germline): Uncertain significance (1 of 4 stars; one submission).

Conditions:
Cardiovascular phenotype. Identifiers: MedGen CN230736.

Submission:

Ambry Genetics
Classification: Uncertain significance for Cardiovascular phenotype. Last evaluated: 2025-08-26. Review status: criteria provided, single submitter. Criteria: Ambry Variant Classification Scheme 2023. Collection method: clinical testing. Allele origin: germline.
Comment: The c.246_254dupCGCGCAGGC variant (also known as p.A83_A85dup), located in coding exon 2 of the KCNH2 gene, results from an in-frame duplication of CGCGCAGGC at nucleotide positions 246 to 254. This results in the duplication of 3 extra residues (AQA) between codons 83 and 85. This amino acid region ranges from highly conserved to well conserved in available vertebrate species. In addition, this variant is predicted to be deleterious by in silico analysis (Choi Y et al. PLoS ONE. 2012; 7(10):e46688). Based on the available evidence, the clinical significance of this variant remains unclear.

NM_000238.4(KCNH2):c.246_254dup (p.Ala85_Leu86insAlaGlnAla)

Gene: KCNH2 (potassium voltage-gated channel subfamily H member 2; minus strand). Cytogenetic location: 7q36.1.
Variant type: Duplication.
Coding change: c.246_254dup on transcript NM_000238.4 (MANE Select); coding-DNA positions 246 to 254, 9 bases duplicated (CGCGCAGGC; older notation c.246_254dupCGCGCAGGC).
Protein change: p.Ala85_Leu86insAlaGlnAla.
Molecular consequence: inframe indel (on NM_000238.3). On other transcripts: non-coding transcript variant (1).
Genome position (GRCh38, 1-based): chr7:150,974,764-150,974,772, GCCTGCGCG duplicated on the plus strand (CGCGCAGGC on the coding strand, the reverse complement: KCNH2 is on the minus strand). VCF-style (leftmost placement, unchanged base first): chr7-150974763-T-TGCCTGCGCG. GRCh37 (hg19) VCF-style: chr7-150671851-T-TGCCTGCGCG.
Other names: c.246_254dupCGCGCAGGC (NM_000238.3); c.69_77dup, p.Ala26_Leu27insAlaGlnAla (NM_001406755.1); c.246_254dup, p.Ala85_Leu86insAlaGlnAla (NM_172056.3).
Identifiers: ClinVar variation 4090324 (VCV004090324.1).